The following is an entry in ClinVar:

NM_021956.5(GRIK2):c.368A>G (p.Asn123Ser)

Gene: GRIK2 (glutamate ionotropic receptor kainate type subunit 2; plus strand). Cytogenetic location: 6q16.3.
Variant type: single nucleotide variant.
Coding change: c.368A>G on transcript NM_021956.5 (MANE Select); coding-DNA position 368, A replaced by G.
Protein change: p.Asn123Ser; replaces asparagine 123 with serine.
Molecular consequence: missense variant.
Genome position (GRCh38, 1-based): chr6:101,626,464, A>G. VCF-style: chr6-101626464-A-G. GRCh37 (hg19) VCF-style: chr6-102074339-A-G.
Other names: c.368A>G, p.Asn123Ser (NM_001166247.1, NM_175768.3); short protein forms N123S.
Identifiers: ClinVar variation 3592843 (VCV003592843.2).

ClinVar aggregate classification (germline): Uncertain significance. Review status: criteria provided, multiple submitters, no conflicts (2 of 4 stars). 2 submissions from 2 submitters: Uncertain significance (2). Last evaluated 2024-01-24.

Conditions:
Neurodevelopmental disorder with impaired language and ataxia and with or without seizures. Identifiers: MedGen C5562006, MONDO:0859201, OMIM 619580.
Intellectual developmental disorder, autosomal recessive 6. Also called: Intellectual disability, autosomal recessive 6. Identifiers: Orphanet 88616, MedGen C1970198, MONDO:0012614, OMIM 611092.

gnomAD v4.1: 25 of 1,613,306 alleles (0.0015%); highest among the groups gnomAD compares: East Asian, 0.016%; no homozygotes.

Submissions (2):

Fulgent Genetics
Classification: Uncertain significance for Intellectual developmental disorder, autosomal recessive 6; Neurodevelopmental disorder with impaired language and ataxia and with or without seizures. Last evaluated: 2024-01-24. Review status: criteria provided, single submitter. Criteria: ACMG Guidelines, 2015. Collection method: clinical testing. Allele origin: germline.

3billion
Classification: Uncertain significance for Intellectual developmental disorder, autosomal recessive 6. Last evaluated: 2023-06-12. Review status: criteria provided, single submitter. Criteria: ACMG Guidelines, 2015. Collection method: clinical testing. Allele origin: germline. Affected: yes.
Comment: The variant is observed at an extremely low frequency in the gnomAD v2.1.1 dataset (total allele frequency: 0.002%). Predicted Consequence/Location: Missense changes are a common disease-causing mechanism. Therefore, this variant is classified as VUS according to the recommendation of ACMG/AMP guideline.